The following is an entry in ClinVar:

ClinVar aggregate classification (germline): Likely benign (0 of 4 stars; one submission).

Conditions:
PLXNA4-related disorder. Also called: PLXNA4-related condition.

gnomAD v4.1: 1 of 1,614,108 alleles (0.000062%); highest among the groups gnomAD compares: Middle Eastern, 0.016%; no homozygotes.

Submission:

PreventionGenetics, part of Exact Sciences
Classification: Likely benign for PLXNA4-related condition. Last evaluated: 2024-05-22. Review status: no assertion criteria provided. Collection method: clinical testing. Allele origin: germline.
Comment: This variant is classified as likely benign based on ACMG/AMP sequence variant interpretation guidelines (Richards et al. 2015 PMID: 25741868, with internal and published modifications).

NM_020911.2(PLXNA4):c.4545C>A (p.Val1515=)

Gene: PLXNA4 (plexin A4; minus strand). Cytogenetic location: 7q32.3.
Variant type: single nucleotide variant.
Coding change: c.4545C>A on transcript NM_020911.2 (MANE Select); coding-DNA position 4545, C replaced by A.
Protein change: p.Val1515=; no amino-acid change (valine 1515 retained).
Molecular consequence: synonymous variant.
Genome position (GRCh38, 1-based): chr7:132,159,588, G>T on the plus strand (C>A on the coding strand, the complement: PLXNA4 is on the minus strand). VCF-style: chr7-132159588-G-T. GRCh37 (hg19) VCF-style: chr7-131844347-G-T.
Other names: c.4545C>A, p.Val1515= (NM_001393897.1).
Identifiers: ClinVar variation 3347166 (VCV003347166.1).